The following is an entry in ClinVar:

NM_032409.3(PINK1):c.776+1G>A

Gene: PINK1 (PTEN induced kinase 1; plus strand). Cytogenetic location: 1p36.12.
Variant type: single nucleotide variant.
Coding change: c.776+1G>A on transcript NM_032409.3 (MANE Select); the canonical splice donor site of the intron after coding-DNA position 776, G replaced by A.
Molecular consequence: splice donor variant.
Genome position (GRCh38, 1-based): chr1:20,639,993, G>A. VCF-style: chr1-20639993-G-A. GRCh37 (hg19) VCF-style: chr1-20966486-G-A.
Identifiers: ClinVar variation 2815001 (VCV002815001.3), dbSNP rs2545253039, ClinGen allele CA338859450.

ClinVar aggregate classification (germline): Likely pathogenic (1 of 4 stars; one submission).

Conditions:
Autosomal recessive early-onset Parkinson disease 6 (PARK6). Also called: PINK1 Type of Young-Onset Parkinson Disease; PINK1-Related Parkinson Disease; PARKINSON DISEASE 6, MODIFIER OF; PARKINSON DISEASE 6, EARLY-ONSET. Identifiers: Orphanet 2828, MedGen C1853833, MONDO:0011613, OMIM 605909.

Submission:

Labcorp Genetics (formerly Invitae), Labcorp
Classification: Likely pathogenic for Autosomal recessive early-onset Parkinson disease 6. Last evaluated: 2022-11-18. Review status: criteria provided, single submitter. Criteria: Invitae Variant Classification Sherloc (09022015). Collection method: clinical testing. Allele origin: germline.
Comment: This sequence change affects a donor splice site in intron 3 of the PINK1 gene. It is expected to disrupt RNA splicing. Variants that disrupt the donor or acceptor splice site typically lead to a loss of protein function (PMID: 16199547), and loss-of-function variants in PINK1 are known to be pathogenic (PMID: 15087508, 15349870). This variant is not present in population databases (gnomAD no frequency). In summary, the currently available evidence indicates that the variant is pathogenic, but additional data are needed to prove that conclusively. Therefore, this variant has been classified as Likely Pathogenic. Algorithms developed to predict the effect of sequence changes on RNA splicing suggest that this variant may disrupt the consensus splice site. This variant has not been reported in the literature in individuals affected with PINK1-related conditions.

Literature cited by the submitters: PubMed 16199547; PubMed 15087508; PubMed 15349870.